The following is an entry in ClinVar:

NM_000218.3(KCNQ1):c.1590+2T>A

Gene: KCNQ1 (potassium voltage-gated channel subfamily Q member 1; plus strand). Cytogenetic location: 11p15.5.
Variant type: single nucleotide variant.
Coding change: c.1590+2T>A on transcript NM_000218.3 (MANE Select); the canonical splice donor site of the intron after coding-DNA position 1590, T replaced by A.
Molecular consequence: splice donor variant.
Genome position (GRCh38, 1-based): chr11:2,768,921, T>A. VCF-style: chr11-2768921-T-A. GRCh37 (hg19) VCF-style: chr11-2790151-T-A.
Other names: c.1320+2T>A (NM_001406837.1); c.1494+2T>A (NM_001406836.1); c.1050+2T>A (NM_001406838.1); c.1209+2T>A (NM_181798.2).
Identifiers: ClinVar variation 1331817 (VCV001331817.5), dbSNP rs2133981154, ClinGen allele CA379139046.

ClinVar aggregate classification (germline): Likely pathogenic (1 of 4 stars; one submission).

Conditions:
Cardiac arrhythmia. Also called: Arrhythmia; Cardiac rhythm disease. Identifiers: MedGen C0003811, MONDO:0007263, HP:0011675.

Submission:

Color Diagnostics, LLC DBA Color Health
Classification: Likely pathogenic for Cardiac arrhythmia. Last evaluated: 2021-04-30. Review status: criteria provided, single submitter. Criteria: ACMG Guidelines, 2015. Collection method: clinical testing. Allele origin: germline.
Comment: This variant causes a T to A nucleotide substitution at the +2 position of intron 12 of the KCNQ1 gene. Splice site prediction tools predict that this variant may have a significant impact on RNA splicing. Although this prediction has not been confirmed in published RNA studies, this variant is expected to result in an absent or disrupted protein product. This variant has not been reported in individuals affected with cardiovascular disorders in the literature. This variant has not been identified in the general population by the Genome Aggregation Database (gnomAD). Loss of KCNQ1 function is a known mechanism of disease. Based on the available evidence, this variant is classified as Likely Pathogenic.